The following is an entry in ClinVar:

ClinVar aggregate classification (germline): Uncertain significance (1 of 4 stars; one submission).

Conditions:
3-methylcrotonyl-CoA carboxylase 1 deficiency (MCC1D). Also called: MCC 1 deficiency; 3 Alpha methylcrotonylglycinuria 1; MCCD TYPE 1; METHYLCROTONYLGLYCINURIA TYPE I. Identifiers: Orphanet 6, MedGen CN028786, MONDO:0008861, OMIM 210200.

Submission:

Genetics and Molecular Pathology, SA Pathology
Classification: Uncertain significance for 3-methylcrotonyl-CoA carboxylase 1 deficiency. Last evaluated: 2022-07-22. Review status: criteria provided, single submitter. Criteria: ACMG Guidelines, 2015. Collection method: clinical testing. Allele origin: germline. Inheritance: Autosomal recessive inheritance. Affected: yes.
Comment: The MCCC1 c.223A>G variant is classified as a VARIANT OF UNCERTAIN SIGNIFICANCE (PM2, PP4) This variant is a single nucleotide change in exon 3/19 of the MCCC1 gene, which is predicted to change the amino acid threonine at position 75 in the protein to alanine. The variant has not been reported in dbSNP and is absent from population databases (PM2). The variant has not been reported in the ClinVar or HGMD disease databases. Computational predictions are conflicting. *Moderate to severe elevated C5OH in neonates with single mutant allele in the MCCC1 gene has been reported by other NBS programmes in the literatures and laboratory. This may be the cause for patient's phenotype (PMID: 22264772; email communication with Metabolic Physicians July 2022) (PP4). Clinical review is recommended.

Literature cited by the submitters: PubMed 22264772.

NM_020166.5(MCCC1):c.223A>G (p.Thr75Ala)

Gene: MCCC1 (methylcrotonyl-CoA carboxylase subunit 1; minus strand). Cytogenetic location: 3q27.1.
Variant type: single nucleotide variant.
Coding change: c.223A>G on transcript NM_020166.5 (MANE Select); coding-DNA position 223, A replaced by G.
Protein change: p.Thr75Ala; replaces threonine 75 with alanine.
Molecular consequence: missense variant. On other transcripts: non-coding transcript variant (1), intron variant (2).
Genome position (GRCh38, 1-based): chr3:183,092,459, T>C on the plus strand (A>G on the coding strand, the complement: MCCC1 is on the minus strand). VCF-style: chr3-183092459-T-C. GRCh37 (hg19) VCF-style: chr3-182810247-T-C.
Other names: c.-55+2100A>G (NM_001363880.1); c.44+2100A>G (NM_001293273.2); short protein forms T75A.
Identifiers: ClinVar variation 1803111 (VCV001803111.1), dbSNP rs2530509602, ClinGen allele CA355321661.